The following is an entry in ClinVar:

NM_017636.4(TRPM4):c.2776A>C (p.Met926Leu)

Gene: TRPM4 (transient receptor potential cation channel subfamily M member 4; plus strand). Cytogenetic location: 19q13.33.
Variant type: single nucleotide variant.
Coding change: c.2776A>C on transcript NM_017636.4 (MANE Select); coding-DNA position 2776, A replaced by C.
Protein change: p.Met926Leu; replaces methionine 926 with leucine.
Molecular consequence: missense variant.
Genome position (GRCh38, 1-based): chr19:49,200,430, A>C. VCF-style: chr19-49200430-A-C. GRCh37 (hg19) VCF-style: chr19-49703687-A-C.
Other names: c.2341A>C, p.Met781Leu (NM_001195227.2); c.2431A>C, p.Met811Leu (NM_001321281.2); c.1168A>C, p.Met390Leu (NM_001321282.2); c.2254A>C, p.Met752Leu (NM_001321283.2); c.1714A>C, p.Met572Leu (NM_001321285.2); short protein forms M781L, M811L, M390L, M572L, M752L, M926L.
Identifiers: ClinVar variation 2796201 (VCV002796201.3), dbSNP rs1187746752, ClinGen allele CA406810748.

ClinVar aggregate classification (germline): Uncertain significance (1 of 4 stars; one submission).

Conditions:
Progressive familial heart block type IB (PFHB1B). Identifiers: Orphanet 871, MedGen C1970298, MONDO:0011474, OMIM 604559.

Allele frequency attached by ClinVar (database versions not stated): TOPMed below 0.00001.
gnomAD v4.1: 13 of 1,347,624 alleles (0.00096%); highest among the groups gnomAD compares: Non-Finnish European, 0.0011%; no homozygotes.

Submission:

Labcorp Genetics (formerly Invitae), Labcorp
Classification: Uncertain significance for Progressive familial heart block type IB. Last evaluated: 2024-05-21. Review status: criteria provided, single submitter. Criteria: Invitae Variant Classification Sherloc (09022015). Collection method: clinical testing. Allele origin: germline.
Comment: This sequence change replaces methionine, which is neutral and non-polar, with leucine, which is neutral and non-polar, at codon 926 of the TRPM4 protein (p.Met926Leu). This variant is present in population databases (no rsID available, gnomAD 0.005%). This variant has not been reported in the literature in individuals affected with TRPM4-related conditions. An algorithm developed to predict the effect of missense changes on protein structure and function (PolyPhen-2) suggests that this variant is likely to be disruptive. In summary, the available evidence is currently insufficient to determine the role of this variant in disease. Therefore, it has been classified as a Variant of Uncertain Significance.